The following is an entry in ClinVar:

NM_000260.4(MYO7A):c.3249del (p.Thr1082_Tyr1083insTer)

Gene: MYO7A (myosin VIIA; plus strand). Cytogenetic location: 11q13.5.
Variant type: Deletion.
Coding change: c.3249del on transcript NM_000260.4 (MANE Select); coding-DNA position 3249, one base deleted (C; older notation c.3249delC).
Protein change: p.Thr1082_Tyr1083insTer.
Molecular consequence: nonsense.
Genome position (GRCh38, 1-based): chr11:77,182,564, C deleted. VCF-style (leftmost placement, unchanged base first): chr11-77182563-AC-A. GRCh37 (hg19) VCF-style: chr11-76893608-AC-A.
Other names: c.3249del, p.Thr1082_Tyr1083insTer (NM_001127180.2); c.3216del, p.Thr1071_Tyr1072insTer (NM_001369365.1).
Identifiers: ClinVar variation 5004213 (VCV005004213.1).

ClinVar aggregate classification (germline): Pathogenic (1 of 4 stars; one submission).

Conditions:
Usher syndrome type 1 (USH1). Also called: RETINITIS PIGMENTOSA AND CONGENITAL DEAFNESS. Identifiers: Orphanet 231169, Orphanet 886, MedGen C1568247, MONDO:0010168, OMIM 276900.

Submission:

Myriad Genetics, Inc.
Classification: Pathogenic for Usher syndrome type 1. Last evaluated: 2025-10-07. Review status: criteria provided, single submitter. Criteria: Myriad Autosomal Dominant, Autosomal Recessive and X-Linked Classification Criteria (2023). Collection method: clinical testing. Allele origin: unknown.
Comment: NM_000260.3(MYO7A):c.3249delC(Y1083*) is a nonsense variant classified as pathogenic in the context of MYO7A-related disorders. Y1083* has not been observed in cases with relevant disease. Relevant functional assessments of this variant are not available in the literature. Y1083* has not been observed in referenced population frequency databases. In summary, NM_000260.3(MYO7A):c.3249delC(Y1083*) is a nonsense variant in a gene where loss of function is a known mechanism of disease and is predicted to disrupt protein function. Please note: this variant was assessed in the context of healthy population screening.